The following is an entry in ClinVar:

NM_004064.5(CDKN1B):c.373T>C (p.Ser125Pro)

Gene: CDKN1B (cyclin dependent kinase inhibitor 1B; plus strand). Cytogenetic location: 12p13.1.
Variant type: single nucleotide variant.
Coding change: c.373T>C on transcript NM_004064.5 (MANE Select); coding-DNA position 373, T replaced by C.
Protein change: p.Ser125Pro; replaces serine 125 with proline.
Molecular consequence: missense variant.
Genome position (GRCh38, 1-based): chr12:12,718,212, T>C. VCF-style: chr12-12718212-T-C. GRCh37 (hg19) VCF-style: chr12-12871146-T-C.
Other names: short protein forms S125P.
Identifiers: ClinVar variation 1415053 (VCV001415053.8), dbSNP rs765681672, ClinGen allele CA233060391.

ClinVar aggregate classification (germline): Conflicting classifications of pathogenicity. Review status: criteria provided, conflicting classifications (1 of 4 stars). 2 submissions from 2 submitters: Uncertain significance (1); Likely benign (1). Last evaluated 2022-08-16.

Conditions:
Hereditary cancer-predisposing syndrome. Also called: Hereditary neoplastic syndrome; Neoplastic Syndromes, Hereditary; Hereditary Cancer Syndrome; Tumor predisposition. Identifiers: Orphanet 140162, MedGen C0027672, MeSH D009386, MONDO:0015356.
Multiple endocrine neoplasia type 4. Also called: MULTIPLE ENDOCRINE NEOPLASIA, TYPE IV. Identifiers: Orphanet 276152, MedGen C1970712, MONDO:0012552, OMIM 610755.

Submissions (2):

Labcorp Genetics (formerly Invitae), Labcorp
Classification: Uncertain significance for Multiple endocrine neoplasia type 4. Last evaluated: 2022-08-16. Review status: criteria provided, single submitter. Criteria: Invitae Variant Classification Sherloc (09022015). Collection method: clinical testing. Allele origin: germline.
Comment: In summary, the available evidence is currently insufficient to determine the role of this variant in disease. Therefore, it has been classified as a Variant of Uncertain Significance. Algorithms developed to predict the effect of missense changes on protein structure and function output the following: SIFT: "Tolerated"; PolyPhen-2: "Benign"; Align-GVGD: "Class C0". The proline amino acid residue is found in multiple mammalian species, which suggests that this missense change does not adversely affect protein function. ClinVar contains an entry for this variant (Variation ID: 1415053). This variant has not been reported in the literature in individuals affected with CDKN1B-related conditions. This variant is present in population databases (no rsID available, gnomAD 0.007%). This sequence change replaces serine, which is neutral and polar, with proline, which is neutral and non-polar, at codon 125 of the CDKN1B protein (p.Ser125Pro).

Ambry Genetics
Classification: Likely benign for Hereditary cancer-predisposing syndrome. Last evaluated: 2022-02-07. Review status: criteria provided, single submitter. Criteria: Ambry Variant Classification Scheme 2023. Collection method: clinical testing. Allele origin: germline.